The following is an entry in ClinVar:

ClinVar aggregate classification (germline): Uncertain significance. Review status: criteria provided, multiple submitters, no conflicts (2 of 4 stars). 2 submissions from 2 submitters: Uncertain significance (2). Last evaluated 2026-04-14.

Conditions:
Cardiovascular phenotype. Identifiers: MedGen CN230736.

gnomAD v4.1: 61 of 1,599,802 alleles (0.0038%); highest among the groups gnomAD compares: Non-Finnish European, 0.0048%; no homozygotes.

Submissions (2):

Ambry Genetics
Classification: Uncertain significance for Cardiovascular phenotype. Last evaluated: 2026-04-14. Review status: criteria provided, single submitter. Criteria: Ambry Variant Classification Scheme 2023. Collection method: clinical testing. Allele origin: germline.

GeneDx
Classification: Uncertain significance. Last evaluated: 2024-02-01. Review status: criteria provided, single submitter. Criteria: GeneDx Variant Classification Process June 2021. Collection method: clinical testing. Allele origin: germline. Affected: yes.
Comment: Has not been previously published as pathogenic or benign to our knowledge; Not observed at significant frequency in large population cohorts (gnomAD); In silico analysis supports that this missense variant does not alter protein structure/function

NM_000020.3(ACVRL1):c.341G>C (p.Gly114Ala)

Gene: ACVRL1 (activin A receptor like type 1; plus strand). Cytogenetic location: 12q13.13.
Variant type: single nucleotide variant.
Coding change: c.341G>C on transcript NM_000020.3 (MANE Select); coding-DNA position 341, G replaced by C.
Protein change: p.Gly114Ala; replaces glycine 114 with alanine.
Molecular consequence: missense variant. On other transcripts: intron variant (6).
Genome position (GRCh38, 1-based): chr12:51,913,586, G>C. VCF-style: chr12-51913586-G-C. GRCh37 (hg19) VCF-style: chr12-52307370-G-C.
Other names: c.341G>C, p.Gly114Ala (NM_001077401.2, NM_001406487.1, NM_001406488.1 and 1 more transcripts); c.313+236G>C (NM_001406491.1, NM_001406490.1, NM_001406492.1 and 2 more transcripts); c.62-853G>C (NM_001406495.1); short protein forms G114A.
Identifiers: ClinVar variation 3361539 (VCV003361539.3).
Genomic context (GRCh38, chr12:51,913,586, plus strand): 5'-TGGAAGCTGAGCCTCAGTGTCCCCCTCCCTCAGCCACCCAACCTCCTTCGGAGCAGCCGG[G>C]AACAGATGGCCAGCTGGCCCTGATCCTGGGCCCCGTGCTGGCCTTGCTGGCCCTGGTGGC-3'
Protein context (NP_000011.2, residues 104-124): EATQPPSEQP[Gly114Ala]TDGQLALILG